The following is an entry in ClinVar:

NM_001291867.2(NHS):c.251C>G (p.Pro84Arg)

Gene: NHS (NHS actin remodeling regulator; plus strand). Cytogenetic location: Xp22.2.
Variant type: single nucleotide variant.
Coding change: c.251C>G on transcript NM_001291867.2 (MANE Select); coding-DNA position 251, C replaced by G.
Protein change: p.Pro84Arg; replaces proline 84 with arginine.
Molecular consequence: missense variant.
Genome position (GRCh38, 1-based): chrX:17,376,008, C>G. VCF-style: chrX-17376008-C-G. GRCh37 (hg19) VCF-style: chrX-17394131-C-G.
Other names: c.251C>G, p.Pro84Arg (NM_198270.4); short protein forms P84R.
Identifiers: ClinVar variation 3362086 (VCV003362086.1).

ClinVar aggregate classification (germline): Uncertain significance (1 of 4 stars; one submission).

Submission:

GeneDx
Classification: Uncertain significance. Last evaluated: 2023-05-28. Review status: criteria provided, single submitter. Criteria: GeneDx Variant Classification Process June 2021. Collection method: clinical testing. Allele origin: germline. Affected: yes.
Comment: Not observed at significant frequency in large population cohorts (gnomAD); In silico analysis supports that this missense variant does not alter protein structure/function; Has not been previously published as pathogenic or benign to our knowledge